The following is an entry in ClinVar:

ClinVar aggregate classification (germline): Uncertain significance (1 of 4 stars; one submission).

Allele frequency attached by ClinVar (database versions not stated): TOPMed 0.00005; ExAC 0.00007; gnomAD 0.00007; gnomAD exomes 0.00009.
gnomAD v4.1: 138 of 1,612,508 alleles (0.0086%); highest among the groups gnomAD compares: Middle Eastern, 0.016%; no homozygotes.

Submission:

Labcorp Genetics (formerly Invitae), Labcorp
Classification: Uncertain significance. Last evaluated: 2025-07-07. Review status: criteria provided, single submitter. Criteria: Invitae Variant Classification Sherloc (09022015). Collection method: clinical testing. Allele origin: germline.
Comment: This sequence change replaces isoleucine, which is neutral and non-polar, with threonine, which is neutral and polar, at codon 458 of the CTU2 protein (p.Ile458Thr). This variant is present in population databases (rs764094808, gnomAD 0.01%). This variant has not been reported in the literature in individuals affected with CTU2-related conditions. ClinVar contains an entry for this variant (Variation ID: 2195512). Invitae Evidence Modeling of protein sequence and biophysical properties (such as structural, functional, and spatial information, amino acid conservation, physicochemical variation, residue mobility, and thermodynamic stability) indicates that this missense variant is not expected to disrupt CTU2 protein function with a negative predictive value of 80%. In summary, the available evidence is currently insufficient to determine the role of this variant in disease. Therefore, it has been classified as a Variant of Uncertain Significance.

NM_001012759.3(CTU2):c.1373T>C (p.Ile458Thr)

Gene: CTU2 (cytosolic thiouridylase subunit 2; plus strand). Cytogenetic location: 16q24.3.
Variant type: single nucleotide variant.
Coding change: c.1373T>C on transcript NM_001012759.3 (MANE Select); coding-DNA position 1373, T replaced by C.
Protein change: p.Ile458Thr; replaces isoleucine 458 with threonine.
Molecular consequence: missense variant.
Genome position (GRCh38, 1-based): chr16:88,714,880, T>C. VCF-style: chr16-88714880-T-C. GRCh37 (hg19) VCF-style: chr16-88781288-T-C.
Other names: c.1373T>C, p.Ile458Thr (NM_001012762.3); c.1586T>C, p.Ile529Thr (NM_001318507.2); c.1112T>C, p.Ile371Thr (NM_001318513.2); short protein forms I529T, I371T, I458T.
Identifiers: ClinVar variation 2195512 (VCV002195512.2), dbSNP rs764094808, ClinGen allele CA8231082.